The following is an entry in ClinVar:

ClinVar aggregate classification (germline): Uncertain significance (1 of 4 stars; one submission).

gnomAD v4.1: 15 of 1,614,132 alleles (0.00093%); highest among the groups gnomAD compares: Non-Finnish European, 0.0013%; no homozygotes.

Submission:

GeneDx
Classification: Uncertain significance. Last evaluated: 2024-01-05. Review status: criteria provided, single submitter. Criteria: GeneDx Variant Classification Process June 2021. Collection method: clinical testing. Allele origin: germline. Affected: yes.
Comment: In silico analysis supports that this missense variant does not alter protein structure/function; Has not been previously published as pathogenic or benign to our knowledge

NM_001374828.1(ARID1B):c.3328C>A (p.Pro1110Thr)

Gene: ARID1B (AT-rich interaction domain 1B; plus strand). Cytogenetic location: 6q25.3.
Variant type: single nucleotide variant.
Coding change: c.3328C>A on transcript NM_001374828.1 (MANE Select); coding-DNA position 3328, C replaced by A.
Protein change: p.Pro1110Thr; replaces proline 1110 with threonine.
Molecular consequence: missense variant.
Genome position (GRCh38, 1-based): chr6:157,174,100, C>A. VCF-style: chr6-157174100-C-A. GRCh37 (hg19) VCF-style: chr6-157495234-C-A.
Other names: c.829C>A, p.Pro277Thr (NM_001363725.2); c.3367C>A, p.Pro1123Thr (NM_001371656.1, NM_001374820.1); c.3328C>A, p.Pro1110Thr (NM_017519.3); c.3118C>A (NM_020732.3); short protein forms P1110T, P1123T, P277T.
Identifiers: ClinVar variation 3367619 (VCV003367619.1).